The following is an entry in ClinVar:

NM_001457.4(FLNB):c.4963C>G (p.Pro1655Ala)

Gene: FLNB (filamin B; plus strand). Cytogenetic location: 3p14.3.
Variant type: single nucleotide variant.
Coding change: c.4963C>G on transcript NM_001457.4 (MANE Select); coding-DNA position 4963, C replaced by G.
Protein change: p.Pro1655Ala; replaces proline 1655 with alanine.
Molecular consequence: missense variant.
Genome position (GRCh38, 1-based): chr3:58,138,383, C>G. VCF-style: chr3-58138383-C-G. GRCh37 (hg19) VCF-style: chr3-58124110-C-G.
Other names: c.5056C>G, p.Pro1686Ala (NM_001164317.2); c.4963C>G, p.Pro1655Ala (NM_001164318.2, NM_001164319.2); short protein forms P1655A, P1686A.
Identifiers: ClinVar variation 4801717 (VCV004801717.1).

ClinVar aggregate classification (germline): Uncertain significance (1 of 4 stars; one submission).

Submission:

Labcorp Genetics (formerly Invitae), Labcorp
Classification: Uncertain significance. Last evaluated: 2025-12-01. Review status: criteria provided, single submitter. Criteria: Invitae Variant Classification Sherloc (09022015). Collection method: clinical testing. Allele origin: germline.
Comment: This sequence change replaces proline, which is neutral and non-polar, with alanine, which is neutral and non-polar, at codon 1655 of the FLNB protein (p.Pro1655Ala). This variant is not present in population databases (gnomAD no frequency). This variant has not been reported in the literature in individuals affected with FLNB-related conditions. Invitae Evidence Modeling of protein sequence and biophysical properties (such as structural, functional, and spatial information, amino acid conservation, physicochemical variation, residue mobility, and thermodynamic stability) indicates that this missense variant is not expected to disrupt FLNB protein function with a negative predictive value of 80%. In summary, the available evidence is currently insufficient to determine the role of this variant in disease. Therefore, it has been classified as a Variant of Uncertain Significance.